The following is an entry in ClinVar:

NM_001077418.3(TMEM231):c.376C>T (p.Leu126=)

Gene: TMEM231 (transmembrane protein 231; minus strand). Cytogenetic location: 16q23.1.
Variant type: single nucleotide variant.
Coding change: c.376C>T on transcript NM_001077418.3 (MANE Select); coding-DNA position 376, C replaced by T.
Protein change: p.Leu126=; no amino-acid change (leucine 126 retained).
Molecular consequence: synonymous variant. On other transcripts: non-coding transcript variant (1).
Genome position (GRCh38, 1-based): chr16:75,545,888, G>A on the plus strand (C>T on the coding strand, the complement: TMEM231 is on the minus strand). VCF-style: chr16-75545888-G-A. GRCh37 (hg19) VCF-style: chr16-75579786-G-A.
Other names: c.535C>T, p.Leu179= (NM_001077416.2).
Identifiers: ClinVar variation 506429 (VCV000506429.12), dbSNP rs557695110, ClinGen allele CA8176203.

ClinVar aggregate classification (germline): Benign. Review status: criteria provided, multiple submitters, no conflicts (2 of 4 stars). 3 submissions from 3 submitters: Benign (3). Last evaluated 2026-01-28.

Conditions:
Joubert syndrome 20 (JBTS20). Identifiers: Orphanet 475, MedGen C3554235, MONDO:0013994, OMIM 614970.
Meckel syndrome, type 11 (MKS11). Identifiers: Orphanet 564, MedGen C3809352, MONDO:0014164, OMIM 615397.

Allele frequency attached by ClinVar (database versions not stated): gnomAD 0.00007 and 0.00062; gnomAD exomes 0.00153 and 0.00372; 1000 Genomes Project 30x 0.00547; 1000 Genomes Project 0.00659; ExAC 0.01421.

Submissions (3):

Labcorp Genetics (formerly Invitae), Labcorp
Classification: Benign for Joubert syndrome 20; Meckel syndrome, type 11. Last evaluated: 2026-01-28. Review status: criteria provided, single submitter. Criteria: Invitae Variant Classification Sherloc (09022015). Collection method: clinical testing. Allele origin: germline.

GeneDx
Classification: Benign. Last evaluated: 2017-12-12. Review status: criteria provided, single submitter. Criteria: GeneDx Variant Classification (06012015). Collection method: clinical testing. Allele origin: germline. Affected: yes.
Comment: This variant is considered likely benign or benign based on one or more of the following criteria: it is a conservative change, it occurs at a poorly conserved position in the protein, it is predicted to be benign by multiple in silico algorithms, and/or has population frequency not consistent with disease.

Breakthrough Genomics
Classification: Benign. Review status: criteria provided, single submitter. Criteria: ACMG Guidelines, 2015. Collection method: not provided. Allele origin: germline. Inheritance: Autosomal recessive inheritance. Affected: yes.